The following is an entry in ClinVar:

NM_004727.3(SLC24A1):c.2640_2645del (p.Glu889_Glu890del)

Gene: SLC24A1 (solute carrier family 24 member 1; plus strand). Cytogenetic location: 15q22.31.
Variant type: Deletion.
Coding change: c.2640_2645del on transcript NM_004727.3 (MANE Select); coding-DNA positions 2640 to 2645, 6 bases deleted (AGAGGA; older notation c.2640_2645delAGAGGA).
Protein change: p.Glu889_Glu890del.
Molecular consequence: inframe deletion.
Genome position (GRCh38, 1-based): chr15:65,650,789-65,650,794, AGAGGA deleted; deleting any 6 consecutive bases within chr15:65,650,784-65,650,794 gives the same sequence; the c. name uses the placement nearest the transcript's 3' end. VCF-style (leftmost placement, unchanged base first): chr15-65650783-GGAGGAA-G. GRCh37 (hg19) VCF-style: chr15-65943121-GGAGGAA-G.
Other names: c.621_626del, p.Glu216_Glu217del (NM_001254740.2); c.2640_2645del, p.Glu889_Glu890del (NM_001301031.1); c.2586_2591del, p.Glu871_Glu872del (NM_001301032.1, NM_001301033.2).
Identifiers: ClinVar variation 1510432 (VCV001510432.4), dbSNP rs762161568, ClinGen allele CA7620171.

ClinVar aggregate classification (germline): Uncertain significance (1 of 4 stars; one submission).

Submission:

Labcorp Genetics (formerly Invitae), Labcorp
Classification: Uncertain significance. Last evaluated: 2023-05-01. Review status: criteria provided, single submitter. Criteria: Invitae Variant Classification Sherloc (09022015). Collection method: clinical testing. Allele origin: germline.
Comment: In summary, the available evidence is currently insufficient to determine the role of this variant in disease. Therefore, it has been classified as a Variant of Uncertain Significance. Experimental studies and prediction algorithms are not available or were not evaluated, and the functional significance of this variant is currently unknown. ClinVar contains an entry for this variant (Variation ID: 1510432). This variant has not been reported in the literature in individuals affected with SLC24A1-related conditions. The frequency data for this variant in the population databases is considered unreliable, as metrics indicate poor data quality at this position in the gnomAD database. This variant, c.2640_2645del, results in the deletion of 2 amino acid(s) of the SLC24A1 protein (p.Glu889_Glu890del), but otherwise preserves the integrity of the reading frame.